The following is an entry in ClinVar:

ClinVar aggregate classification (germline): Uncertain significance (1 of 4 stars; one submission).

Conditions:
Neuronal ceroid lipofuscinosis 11. Also called: GRN-Related Neuronal Ceroid-Lipofuscinosis. Identifiers: Orphanet 314629, Orphanet 79262, MedGen C3539123, MONDO:0013866, OMIM 614706.
GRN-related frontotemporal lobar degeneration with Tdp43 inclusions (FTD2). Also called: DEMENTIA, HEREDITARY DYSPHASIC DISINHIBITION; FRONTOTEMPORAL LOBAR DEGENERATION WITH UBIQUITIN-POSITIVE INCLUSIONS; FTLD-TDP, GRN-RELATED; GRN Frontotemporal Dementia; FRONTOTEMPORAL DEMENTIA WITH TDP43 INCLUSIONS, GRN-RELATED. Identifiers: Orphanet 100070, Orphanet 282, MedGen C1843792, MONDO:0011842, OMIM 607485. Disease mechanism: loss of function.

Allele frequency attached by ClinVar (database versions not stated): gnomAD 0.00001; TOPMed 0.00002; gnomAD exomes 0.00003.

Submission:

Labcorp Genetics (formerly Invitae), Labcorp
Classification: Uncertain significance for Neuronal ceroid lipofuscinosis 11; GRN-related frontotemporal lobar degeneration with Tdp43 inclusions. Last evaluated: 2024-11-28. Review status: criteria provided, single submitter. Criteria: Invitae Variant Classification Sherloc (09022015). Collection method: clinical testing. Allele origin: germline.
Comment: This sequence change falls in intron 3 of the GRN gene. It does not directly change the encoded amino acid sequence of the GRN protein. It affects a nucleotide within the consensus splice site. The frequency data for this variant in the population databases is considered unreliable, as metrics indicate poor data quality at this position in the gnomAD database. This variant has not been reported in the literature in individuals affected with GRN-related conditions. ClinVar contains an entry for this variant (Variation ID: 2061690). Variants that disrupt the consensus splice site are a relatively common cause of aberrant splicing (PMID: 17576681, 9536098). Algorithms developed to predict the effect of sequence changes on RNA splicing suggest that this variant may disrupt the consensus splice site. In summary, the available evidence is currently insufficient to determine the role of this variant in disease. Therefore, it has been classified as a Variant of Uncertain Significance.

Literature cited by the submitters: PubMed 17576681; PubMed 9536098.

NM_002087.4(GRN):c.264+3G>T

Gene: GRN (granulin precursor; plus strand). Cytogenetic location: 17q21.31.
Variant type: single nucleotide variant.
Coding change: c.264+3G>T on transcript NM_002087.4 (MANE Select); 3 bases into the intron after coding-DNA position 264, G replaced by T.
Molecular consequence: intron variant.
Genome position (GRCh38, 1-based): chr17:44,349,554, G>T. VCF-style: chr17-44349554-G-T. GRCh37 (hg19) VCF-style: chr17-42426922-G-T.
Identifiers: ClinVar variation 2061690 (VCV002061690.4), dbSNP rs1278780775, ClinGen allele CA626224121.
Genomic context (GRCh38, chr17:44,349,554, plus strand): 5'-CGGCCACTCCTGCATCTTTACCGTCTCAGGGACTTCCAGTTGCTGCCCCTTCCCAGAGGT[G>T]AGCGTGCCATCAGCCCAGTGGAGGGGCTTAGGTCTGCATTTATGCTTTTCCTGCACTCTA-3'